The following is an entry in ClinVar:

ClinVar aggregate classification (germline): Uncertain significance (1 of 4 stars; one submission).

Conditions:
X-linked agammaglobulinemia with growth hormone deficiency (IGHD3). Also called: HYPOGAMMAGLOBULINEMIA AND ISOLATED GROWTH HORMONE DEFICIENCY, X-LINKED; IGHD III; Isolated growth hormone deficiency type 3; Growth hormone deficiency with hypogammaglobulinemia; ISOLATED GROWTH HORMONE DEFICIENCY, TYPE III, WITH AGAMMAGLOBULINEMIA; AGAMMAGLOBULINEMIA AND ISOLATED GROWTH HORMONE DEFICIENCY, X-LINKED. Identifiers: Orphanet 231692, Orphanet 631, MedGen C0472813, MONDO:0010615, OMIM 307200.

Submission:

Labcorp Genetics (formerly Invitae), Labcorp
Classification: Uncertain significance for X-linked agammaglobulinemia with growth hormone deficiency. Last evaluated: 2025-06-15. Review status: criteria provided, single submitter. Criteria: Invitae Variant Classification Sherloc (09022015). Collection method: clinical testing. Allele origin: germline.
Comment: This sequence change falls in intron 5 of the BTK gene. It does not directly change the encoded amino acid sequence of the BTK protein. It affects a nucleotide within the consensus splice site. This variant is not present in population databases (gnomAD no frequency). This variant has not been reported in the literature in individuals affected with BTK-related conditions. Variants that disrupt the consensus splice site are a relatively common cause of aberrant splicing (PMID: 17576681, 9536098). Algorithms developed to predict the effect of sequence changes on RNA splicing suggest that this variant may disrupt the consensus splice site. In summary, the available evidence is currently insufficient to determine the role of this variant in disease. Therefore, it has been classified as a Variant of Uncertain Significance.

Literature cited by the submitters: PubMed 17576681; PubMed 9536098.

NM_000061.3(BTK):c.391+5G>T

Gene: BTK (Bruton tyrosine kinase; minus strand). Cytogenetic location: Xq22.1.
Variant type: single nucleotide variant.
Coding change: c.391+5G>T on transcript NM_000061.3 (MANE Select); 5 bases into the intron after coding-DNA position 391, G replaced by T.
Molecular consequence: intron variant.
Genome position (GRCh38, 1-based): chrX:101,369,993, C>A on the plus strand (G>T on the coding strand, the complement: BTK is on the minus strand). VCF-style: chrX-101369993-C-A. GRCh37 (hg19) VCF-style: chrX-100624981-C-A.
Other names: c.493+5G>T (NM_001287344.2); c.391+5G>T (NM_001287345.2).
Identifiers: ClinVar variation 4721502 (VCV004721502.1).